The following is an entry in ClinVar:

ClinVar aggregate classification (germline): Uncertain significance. Review status: criteria provided, multiple submitters, no conflicts (2 of 4 stars). 3 submissions from 3 submitters: Uncertain significance (3). Last evaluated 2025-08-18.

Conditions:
ATM-related cancer predisposition. Also called: ATM-related cancer susceptibility. Identifiers: MedGen CN377759, MONDO:0700270.
Ataxia-telangiectasia syndrome (AT). Also called: Ataxia-telangiectasia, complementation group D; AT, COMPLEMENTATION GROUP C; Ataxia-telangiectasia, complementation group E; Ataxia telangiectasia (A-T); Cerebello-oculocutaneous telangiectasia; Immunodeficiency with ataxia telangiectasia. Identifiers: Orphanet 100, MedGen C0004135, MONDO:0008840, OMIM 208900.

Submissions (3):

Dasa
Classification: Uncertain significance for ATM-related cancer predisposition. Last evaluated: 2025-08-18. Review status: criteria provided, single submitter. Criteria: DASA Assertion Criteria. Collection method: clinical testing. Allele origin: germline.
Comment: NM_000051.4(ATM):c.3143C>T (p.Thr1048Ile) is a missense variant that results in the substitution of threonine with isoleucine. This variant is absent from population databases. Computational prediction algorithms are consistent with a benign effect. The currently available literature and clinical evidence are not sufficient to establish a definitive association between this variant and the reported condition. Therefore, this variant is classified as a variant of uncertain significance.

Labcorp Genetics (formerly Invitae), Labcorp
Classification: Uncertain significance for Ataxia-telangiectasia syndrome. Last evaluated: 2021-08-27. Review status: criteria provided, single submitter. Criteria: Invitae Variant Classification Sherloc (09022015). Collection method: clinical testing. Allele origin: germline.

Mendelics
Classification: Uncertain significance for Ataxia-telangiectasia syndrome. Last evaluated: 2019-05-28. Review status: criteria provided, single submitter. Criteria: Mendelics Assertion Criteria 2017. Collection method: clinical testing. Allele origin: unknown.

NM_000051.4(ATM):c.3143C>T (p.Thr1048Ile)

Gene: ATM (ATM serine/threonine kinase; plus strand). Cytogenetic location: 11q22.3.
Variant type: single nucleotide variant.
Coding change: c.3143C>T on transcript NM_000051.4 (MANE Select); coding-DNA position 3143, C replaced by T.
Protein change: p.Thr1048Ile; replaces threonine 1048 with isoleucine.
Molecular consequence: missense variant.
Genome position (GRCh38, 1-based): chr11:108,272,597, C>T. VCF-style: chr11-108272597-C-T. GRCh37 (hg19) VCF-style: chr11-108143324-C-T.
Other names: c.3143C>T, p.Thr1048Ile (NM_001351834.2); short protein forms T1048I.
Identifiers: ClinVar variation 576608 (VCV000576608.7), dbSNP rs1565427949, ClinGen allele CA382515353.